The following is an entry in ClinVar:

NM_001077365.2(POMT1):c.1657del (p.Leu553fs)

Gene: POMT1 (protein O-mannosyltransferase 1; plus strand). Cytogenetic location: 9q34.13.
Variant type: Deletion.
Coding change: c.1657del on transcript NM_001077365.2 (MANE Select); coding-DNA position 1657, one base deleted (C; older notation c.1657delC).
Protein change: p.Leu553fs; shifts the reading frame from leucine 553.
Molecular consequence: frameshift variant. On other transcripts: non-coding transcript variant (10).
Genome position (GRCh38, 1-based): chr9:131,520,152, C deleted; the last of 3 consecutive C bases (chr9:131,520,150-131,520,152); deleting any one gives the same sequence. VCF-style (leftmost placement, unchanged base first): chr9-131520149-AC-A. GRCh37 (hg19) VCF-style: chr9-134395536-AC-A.
Other names: c.1723delC (NM_007171.3); c.1495del, p.Leu499fs (NM_001077366.2, NM_001353194.2); c.1657del, p.Leu553fs (NM_001136113.2); c.1306del, p.Leu436fs (NM_001136114.2, NM_001353195.2, NM_001374691.1 and 2 more transcripts); c.1723del, p.Leu575fs (NM_001353193.2, NM_007171.4); c.1567del, p.Leu523fs (NM_001353196.2); c.1561del, p.Leu521fs (NM_001353197.2, NM_001353198.2); c.1372del, p.Leu458fs (NM_001353199.2); and 4 more; short protein forms L436fs, L575fs, L499fs, L521fs, L401fs, L458fs, L523fs, L553fs.
Identifiers: ClinVar variation 194757 (VCV000194757.11), dbSNP rs794727190, ClinGen allele CA211186.

ClinVar aggregate classification (germline): Pathogenic/Likely pathogenic. Review status: criteria provided, multiple submitters, no conflicts (2 of 4 stars). 4 submissions from 4 submitters: Pathogenic (3); Likely pathogenic (1). Last evaluated 2025-12-21.

Conditions:
Walker-Warburg congenital muscular dystrophy. Also called: Muscular dystrophy-dystroglycanopathy, type A; Walker-Warburg syndrome. Identifiers: Orphanet 899, MedGen C0265221, MONDO:0000171.
Autosomal recessive limb-girdle muscular dystrophy type 2K. Also called: MUSCULAR DYSTROPHY-DYSTROGLYCANOPATHY (LIMB-GIRDLE), TYPE C, 1; MUSCULAR DYSTROPHY, LIMB-GIRDLE, TYPE 2K. Identifiers: Orphanet 86812, MedGen C1836373, MONDO:0012248, OMIM 609308.
Muscular dystrophy-dystroglycanopathy (congenital with impaired intellectual development), type B, 1. Also called: MUSCULAR DYSTROPHY, CONGENITAL, POMT1-RELATED; Muscular dystrophy-dystroglycanopathy (congenital with intellectual disability), type B1. Identifiers: MedGen C5436962, MONDO:0013159, OMIM 613155.
Autosomal recessive limb-girdle muscular dystrophy. Identifiers: Orphanet 102015, MedGen C2931907, MONDO:0015152.
Muscular dystrophy-dystroglycanopathy (congenital with brain and eye anomalies), type A1 (MDDGA1). Also called: WALKER-WARBURG SYNDROME OR MUSCLE-EYE-BRAIN DISEASE, POMT1-RELATED; Hydrocephalus, agyria and retinal dysplasia; Hard +/- E syndrome; Warburg syndrome; Chemke syndrome; Pagon syndrome. Identifiers: Orphanet 588, Orphanet 899, MedGen C4284790, MONDO:0009364, OMIM 236670.

Submissions (4):

Labcorp Genetics (formerly Invitae), Labcorp
Classification: Pathogenic for Muscular dystrophy-dystroglycanopathy (congenital with impaired intellectual development), type B, 1; Walker-Warburg congenital muscular dystrophy; Autosomal recessive limb-girdle muscular dystrophy type 2K. Last evaluated: 2025-12-21. Review status: criteria provided, single submitter. Criteria: Invitae Variant Classification Sherloc (09022015). Collection method: clinical testing. Allele origin: germline.
Comment: This sequence change creates a premature translational stop signal (p.Leu575Trpfs*23) in the POMT1 gene. It is expected to result in an absent or disrupted protein product. Loss-of-function variants in POMT1 are known to be pathogenic (PMID: 12369018, 15637732, 16575835). This variant is present in population databases (rs794727190, gnomAD 0.003%). This premature translational stop signal has been observed in individual(s) with Walker-Warburg syndrome (PMID: 24491487). ClinVar contains an entry for this variant (Variation ID: 194757). Algorithms developed to predict the effect of sequence changes on RNA splicing suggest that this variant may disrupt the consensus splice site. For these reasons, this variant has been classified as Pathogenic.

Baylor Genetics
Classification: Pathogenic for Muscular dystrophy-dystroglycanopathy (congenital with brain and eye anomalies), type A1. Last evaluated: 2023-11-20. Review status: criteria provided, single submitter. Criteria: ACMG Guidelines, 2015. Collection method: clinical testing. Allele origin: unknown.

Women's Health and Genetics/Laboratory Corporation of America, LabCorp
Classification: Likely pathogenic for Autosomal recessive limb-girdle muscular dystrophy. Last evaluated: 2023-04-04. Review status: criteria provided, single submitter. Criteria: LabCorp Variant Classification Summary - May 2015. Collection method: clinical testing. Allele origin: germline.
Comment: Variant summary: POMT1 c.1723delC (p.Leu575TrpfsX23) results in a premature termination codon, predicted to cause a truncation of the encoded protein or absence of the protein due to nonsense mediated decay, which are commonly known mechanisms for disease. Truncations downstream of this position have been classified as pathogenic in ClinVar. The variant allele was found at a frequency of 4e-06 in 250918 control chromosomes (gnomAD). c.1723delC has been reported in the literature in an individual affected with Walker-Warburg syndrome (example: Wallace_2014). These data do not allow any conclusion about variant significance. To our knowledge, no experimental evidence demonstrating an impact on protein function has been reported. Two clinical diagnostic laboratories have submitted clinical-significance assessments for this variant to ClinVar after 2014 and classified the variant as pathogenic. Based on the evidence outlined above, the variant was classified as likely pathogenic.

Eurofins Ntd Llc (ga)
Classification: Pathogenic. Last evaluated: 2015-05-05. Review status: criteria provided, single submitter. Criteria: EGL Classification Definitions 2015. Collection method: clinical testing. Allele origin: germline. Observed: 1 variant allele, 1 heterozygote.

Literature cited by the submitters: PubMed 12369018 (cited by Labcorp Genetics (formerly Invitae), Labcorp); PubMed 15637732 (cited by Labcorp Genetics (formerly Invitae), Labcorp); PubMed 16575835 (cited by Labcorp Genetics (formerly Invitae), Labcorp); PubMed 24491487 (cited by Labcorp Genetics (formerly Invitae), Labcorp and Women's Health and Genetics/Laboratory Corporation of America, LabCorp).